The following is an entry in ClinVar:

ClinVar aggregate classification (germline): Uncertain significance. Review status: criteria provided, multiple submitters, no conflicts (2 of 4 stars). 4 submissions from 4 submitters: Uncertain significance (4). Last evaluated 2025-06-23.

Conditions:
Aortic aneurysm, familial thoracic 4 (AAT4). Also called: AORTIC ANEURYSM/AORTIC DISSECTION AND PATENT DUCTUS ARTERIOSUS. Identifiers: MedGen C1851504, MONDO:0007568, OMIM 132900.
Familial thoracic aortic aneurysm and aortic dissection (TAAD). Also called: Thoracic aortic aneurysms and dissections. Identifiers: Orphanet 91387, MedGen C4707243, MONDO:0019625.

Allele frequency attached by ClinVar (database versions not stated): ExAC 0.00001; gnomAD 0.00001.
gnomAD v4.1: 17 of 1,488,176 alleles (0.0011%); highest among the groups gnomAD compares: African/African-American, 0.0015%; no homozygotes.

Submissions (4):

Color Diagnostics, LLC DBA Color Health
Classification: Uncertain significance for Familial thoracic aortic aneurysm and aortic dissection. Last evaluated: 2025-06-23. Review status: criteria provided, single submitter. Criteria: ACMG Guidelines, 2015. Collection method: clinical testing. Allele origin: germline.
Comment: This missense variant replaces threonine with alanine at codon 374 of the MYH11 protein. Computational prediction suggests that this variant may not impact protein structure and function. To our knowledge, functional studies have not been reported for this variant. This variant has not been reported in individuals affected with MYH11-related disorders in the literature. This variant has been identified in 1/251314 chromosomes in the general population by the Genome Aggregation Database (gnomAD). The available evidence is insufficient to determine the role of this variant in disease conclusively. Therefore, this variant is classified as a Variant of Uncertain Significance.

Labcorp Genetics (formerly Invitae), Labcorp
Classification: Uncertain significance for Aortic aneurysm, familial thoracic 4. Last evaluated: 2024-10-02. Review status: criteria provided, single submitter. Criteria: Invitae Variant Classification Sherloc (09022015). Collection method: clinical testing. Allele origin: germline.
Comment: This sequence change replaces threonine, which is neutral and polar, with alanine, which is neutral and non-polar, at codon 374 of the MYH11 protein (p.Thr374Ala). The frequency data for this variant in the population databases is considered unreliable, as metrics indicate poor data quality at this position in the gnomAD database. This variant has not been reported in the literature in individuals affected with MYH11-related conditions. ClinVar contains an entry for this variant (Variation ID: 1791434). Invitae Evidence Modeling of protein sequence and biophysical properties (such as structural, functional, and spatial information, amino acid conservation, physicochemical variation, residue mobility, and thermodynamic stability) indicates that this missense variant is not expected to disrupt MYH11 protein function with a negative predictive value of 95%. In summary, the available evidence is currently insufficient to determine the role of this variant in disease. Therefore, it has been classified as a Variant of Uncertain Significance.

All of Us Research Program, National Institutes of Health
Classification: Uncertain significance for Familial thoracic aortic aneurysm and aortic dissection. Last evaluated: 2024-09-27. Review status: criteria provided, single submitter. Criteria: ACMG Guidelines, 2015. Collection method: clinical testing. Allele origin: germline. Inheritance: Autosomal dominant inheritance. Observed: 2 variant alleles, 2 heterozygotes.
Comment: This study involves interpretation of variants in research participants for the purpose of population health screening. Participant phenotype was not available at the time of variant classification. Additional details can be found in publication PMID: 35346344, PMCID: PMC8962531

Ambry Genetics
Classification: Uncertain significance for Familial thoracic aortic aneurysm and aortic dissection. Last evaluated: 2024-07-07. Review status: criteria provided, single submitter. Criteria: Ambry Variant Classification Scheme 2023. Collection method: clinical testing. Allele origin: germline.
Comment: The p.T367A variant (also known as c.1099A>G), located in coding exon 9 of the MYH11 gene, results from an A to G substitution at nucleotide position 1099. The threonine at codon 367 is replaced by alanine, an amino acid with similar properties. This amino acid position is well conserved in available vertebrate species. In addition, this alteration is predicted to be tolerated by in silico analysis. Since supporting evidence is limited at this time, the clinical significance of this alteration remains unclear.

NM_002474.3(MYH11):c.1099A>G (p.Thr367Ala)

Gene: MYH11 (myosin heavy chain 11; minus strand). Cytogenetic location: 16p13.11.
Variant type: single nucleotide variant.
Coding change: c.1099A>G on transcript NM_002474.3 (MANE Select); coding-DNA position 1099, A replaced by G.
Protein change: p.Thr367Ala; replaces threonine 367 with alanine.
Molecular consequence: missense variant.
Genome position (GRCh38, 1-based): chr16:15,763,826, T>C on the plus strand (A>G on the coding strand, the complement: MYH11 is on the minus strand). VCF-style: chr16-15763826-T-C. GRCh37 (hg19) VCF-style: chr16-15857683-T-C.
Other names: c.1120A>G, p.Thr374Ala (NM_001040113.2, NM_001040114.2); c.1099A>G, p.Thr367Ala (NM_022844.3); short protein forms T367A, T374A.
Identifiers: ClinVar variation 1791434 (VCV001791434.9), dbSNP rs757236070, ClinGen allele CA7922728.